The following is an entry in ClinVar:

ClinVar aggregate classification (germline): Uncertain significance (1 of 4 stars; one submission).

Allele frequency attached by ClinVar (database versions not stated): gnomAD 0.00001 and 0.00002; gnomAD exomes 0.00001; ExAC 0.00002; TOPMed 0.00002; ESP Exome Variant Server 0.00008.
gnomAD v4.1: 17 of 1,612,622 alleles (0.0011%); highest among the groups gnomAD compares: Non-Finnish European, 0.0014%; no homozygotes.

Submission:

Labcorp Genetics (formerly Invitae), Labcorp
Classification: Uncertain significance. Last evaluated: 2021-09-24. Review status: criteria provided, single submitter. Criteria: Invitae Variant Classification Sherloc (09022015). Collection method: clinical testing. Allele origin: germline.
Comment: This sequence change replaces glycine with arginine at codon 406 of the DGAT1 protein (p.Gly406Arg). The glycine residue is weakly conserved and there is a moderate physicochemical difference between glycine and arginine. This variant is present in population databases (rs377582872, ExAC 0.003%). This variant has not been reported in the literature in individuals with DGAT1-related conditions. Algorithms developed to predict the effect of missense changes on protein structure and function are either unavailable or do not agree on the potential impact of this missense change (SIFT: "Tolerated"; PolyPhen-2: "Possibly Damaging"; Align-GVGD: "Class C0"). In summary, the available evidence is currently insufficient to determine the role of this variant in disease. Therefore, it has been classified as a Variant of Uncertain Significance.

NM_012079.6(DGAT1):c.1216G>A (p.Gly406Arg)

Gene: DGAT1 (diacylglycerol O-acyltransferase 1; minus strand). Cytogenetic location: 8q24.3.
Variant type: single nucleotide variant.
Coding change: c.1216G>A on transcript NM_012079.6 (MANE Select); coding-DNA position 1216, G replaced by A.
Protein change: p.Gly406Arg; replaces glycine 406 with arginine.
Molecular consequence: missense variant.
Genome position (GRCh38, 1-based): chr8:144,317,054, C>T on the plus strand (G>A on the coding strand, the complement: DGAT1 is on the minus strand). VCF-style: chr8-144317054-C-T. GRCh37 (hg19) VCF-style: chr8-145540717-C-T.
Other names: short protein forms G406R.
Identifiers: ClinVar variation 1468811 (VCV001468811.5), dbSNP rs377582872, ClinGen allele CA4936624.